The following is an entry in ClinVar:

ClinVar aggregate classification (germline): not provided (0 of 4 stars; one submission).

Submission:

Cardiovascular Biomedical Research Unit, Royal Brompton & Harefield NHS Foundation Trust
No classification provided. Review status: no classification provided. Collection method: literature only. Allele origin: germline.
Comment: This variant has been reported in the following publications (PMID:14661677;PMID:19841300).

Literature cited by the submitters: PubMed 14661677; PubMed 19841300; PubMed 22581653.

NM_000238.4(KCNH2):c.2167T>C (p.Cys723Arg)

Gene: KCNH2 (potassium voltage-gated channel subfamily H member 2; minus strand). Cytogenetic location: 7q36.1.
Variant type: single nucleotide variant.
Coding change: c.2167T>C on transcript NM_000238.4 (MANE Select); coding-DNA position 2167, T replaced by C.
Protein change: p.Cys723Arg; replaces cysteine 723 with arginine.
Molecular consequence: missense variant.
Genome position (GRCh38, 1-based): chr7:150,950,399, A>G on the plus strand (T>C on the coding strand, the complement: KCNH2 is on the minus strand). VCF-style: chr7-150950399-A-G. GRCh37 (hg19) VCF-style: chr7-150647487-A-G.
Other names: c.2167T>C (LRG_288t1); c.1147T>C, p.Cys383Arg (NM_001204798.2, NM_172057.3); c.1879T>C, p.Cys627Arg (NM_001406753.1, NM_001406756.1); c.1990T>C, p.Cys664Arg (NM_001406755.1); c.1867T>C, p.Cys623Arg (NM_001406757.1); c.2167T>C, p.Cys723Arg (NM_172056.3); short protein forms C383R, C723R, C623R, C664R, C627R.
Identifiers: ClinVar variation 67372 (VCV000067372.3), dbSNP rs199472987, ClinGen allele CA006317.
Genomic context (GRCh38, chr7:150,950,399, plus strand): 5'-AGGGTTTGCAGTGCTGCAGCAGTGAGCGGTTCAGGTGCAGGCAGATGTCAGCCTGCAGGC[A>G]CTCAGGGAAGCCCTTCAGCACCTGGGGGCAGGGTGGGGGCAGCTCAGCACACCCTCCCTT-3'
Protein context (NP_000229.1, residues 713-733): MNAVLKGFPE[Cys723Arg]LQADICLHLN